The following is an entry in ClinVar:

NM_006129.5(BMP1):c.833C>G (p.Ser278Cys)

Gene: BMP1 (bone morphogenetic protein 1; plus strand). Cytogenetic location: 8p21.3.
Variant type: single nucleotide variant.
Coding change: c.833C>G on transcript NM_006129.5 (MANE Select); coding-DNA position 833, C replaced by G.
Protein change: p.Ser278Cys; replaces serine 278 with cysteine.
Molecular consequence: missense variant. On other transcripts: non-coding transcript variant (2).
Genome position (GRCh38, 1-based): chr8:22,177,954, C>G. VCF-style: chr8-22177954-C-G. GRCh37 (hg19) VCF-style: chr8-22035467-C-G.
Other names: c.833C>G, p.Ser278Cys (NM_001199.4); short protein forms S278C.
Identifiers: ClinVar variation 1383480 (VCV001383480.6), dbSNP rs1828500872, ClinGen allele CA370543454.

ClinVar aggregate classification (germline): Uncertain significance (1 of 4 stars; one submission).

Submission:

Labcorp Genetics (formerly Invitae), Labcorp
Classification: Uncertain significance. Last evaluated: 2023-04-24. Review status: criteria provided, single submitter. Criteria: Invitae Variant Classification Sherloc (09022015). Collection method: clinical testing. Allele origin: germline.
Comment: This variant has not been reported in the literature in individuals affected with BMP1-related conditions. This variant is not present in population databases (gnomAD no frequency). This sequence change replaces serine, which is neutral and polar, with cysteine, which is neutral and slightly polar, at codon 278 of the BMP1 protein (p.Ser278Cys). ClinVar contains an entry for this variant (Variation ID: 1383480). In summary, the available evidence is currently insufficient to determine the role of this variant in disease. Therefore, it has been classified as a Variant of Uncertain Significance. Advanced modeling of protein sequence and biophysical properties (such as structural, functional, and spatial information, amino acid conservation, physicochemical variation, residue mobility, and thermodynamic stability) performed at Invitae indicates that this missense variant is expected to disrupt BMP1 protein function.